The following is an entry in ClinVar:

ClinVar aggregate classification (germline): Likely benign. Review status: criteria provided, single submitter (1 of 4 stars). 2 submissions from 2 submitters: Likely benign (1). 1 of the submissions does not count toward it. Last evaluated 2025-07-25.

Conditions:
TJP2-related disorder. Also called: TJP2-related condition.

Allele frequency attached by ClinVar (database versions not stated): TOPMed 0.00012; gnomAD 0.00019; ESP Exome Variant Server 0.00031; 1000 Genomes Project 30x 0.00047; ExAC 0.00051; 1000 Genomes Project 0.00060.
gnomAD v4.1: 297 of 1,614,120 alleles (0.018%); highest among the groups gnomAD compares: South Asian, 0.26%; 3 homozygotes.

Submissions (2):

Labcorp Genetics (formerly Invitae), Labcorp
Classification: Likely benign. Last evaluated: 2025-07-25. Review status: criteria provided, single submitter. Criteria: Invitae Variant Classification Sherloc (09022015). Collection method: clinical testing. Allele origin: germline.

PreventionGenetics, part of Exact Sciences
Classification: Likely benign for TJP2-related condition. Last evaluated: 2023-04-05. Review status: no assertion criteria provided. Collection method: clinical testing. Allele origin: germline. Not counted in ClinVar's aggregate classification.
Comment: This variant is classified as likely benign based on ACMG/AMP sequence variant interpretation guidelines (Richards et al. 2015 PMID: 25741868, with internal and published modifications).

NM_004817.4(TJP2):c.2384C>T (p.Pro795Leu)

Gene: TJP2 (tight junction protein 2; plus strand). Cytogenetic location: 9q21.11.
Variant type: single nucleotide variant.
Coding change: c.2384C>T on transcript NM_004817.4 (MANE Select); coding-DNA position 2384, C replaced by T.
Protein change: p.Pro795Leu; replaces proline 795 with leucine.
Molecular consequence: missense variant.
Genome position (GRCh38, 1-based): chr9:69,239,965, C>T. VCF-style: chr9-69239965-C-T. GRCh37 (hg19) VCF-style: chr9-71854881-C-T.
Other names: c.2384C>T, p.Pro795Leu (LRG_1201t1, NM_001369872.1, NM_001369873.1 and 1 more transcripts); c.2315C>T, p.Pro772Leu (NM_001170414.2, NM_001369871.1); c.2396C>T, p.Pro799Leu (NM_001170415.1, NM_001369874.1, NM_001369875.1); c.2477C>T, p.Pro826Leu (NM_001170416.2); c.2309C>T, p.Pro770Leu (NM_001369870.1); short protein forms P795L, P770L, P772L, P799L, P826L.
Identifiers: ClinVar variation 367227 (VCV000367227.14), dbSNP rs139867659, ClinGen allele CA5073669.
Genomic context (GRCh38, chr9:69,239,965, plus strand): 5'-CATTTCTCTAACTTTTCCCCTTTTGTAAACAGGATAAGCATGCACTACTGGATGTGACTC[C>T]GAAAGCTGTGGACCTGTTGAATTACACCCAGTGGTTCCCAATTGTGATTTTTTTCAACCC-3'
Protein context (NP_004808.2, residues 785-805): QDKHALLDVT[Pro795Leu]KAVDLLNYTQ